The following is an entry in ClinVar:

NM_001267550.2(TTN):c.55804C>T (p.Pro18602Ser)

Genes: TTN (titin; minus strand), TTN-AS1 (TTN antisense RNA 1; plus strand). Cytogenetic location: 2q31.2.
Variant type: single nucleotide variant.
Coding change: c.55804C>T on transcript NM_001267550.2 (MANE Select); coding-DNA position 55804, C replaced by T.
Protein change: p.Pro18602Ser; replaces proline 18602 with serine.
Molecular consequence: missense variant.
Genome position (GRCh38, 1-based): chr2:178,601,100, G>A on the plus strand (C>T on the coding strand, the complement: TTN is on the minus strand). VCF-style: chr2-178601100-G-A. GRCh37 (hg19) VCF-style: chr2-179465827-G-A.
Other names: c.50881C>T, p.Pro16961Ser (NM_001256850.1); c.28609C>T, p.Pro9537Ser (NM_003319.4); c.48100C>T, p.Pro16034Ser (NM_133378.4); c.28984C>T, p.Pro9662Ser (NM_133432.3); c.29185C>T, p.Pro9729Ser (NM_133437.4); short protein forms P16034S, P18602S, P16961S, P9537S, P9662S, P9729S.
Identifiers: ClinVar variation 437107 (VCV000437107.10), dbSNP rs781300931, ClinGen allele CA349537665.
Genomic context (GRCh38, chr2:178,601,100, plus strand): 5'-CCCATGCAAGGCACTCAACAATATAGTGGGTAACAGGGGAGCCCCCATCATTCTTCGGGG[G>A]TTTCCATGACAGATGCACTGTGTTCTTTGTGATGAGGCCAATCTTGAGTTTAATAGGAGG-3'
Protein context (NP_001254479.2, residues 18592-18612): TKNTVHLSWK[Pro18602Ser]PKNDGGSPVT

ClinVar aggregate classification (germline): Uncertain significance. Review status: criteria provided, multiple submitters, no conflicts (2 of 4 stars). 3 submissions from 3 submitters: Uncertain significance (3). Last evaluated 2024-03-26.

Allele frequency attached by ClinVar (database versions not stated): TOPMed 0.00002.
gnomAD v4.1: 9 of 1,601,620 alleles (0.00056%); highest among the groups gnomAD compares: Non-Finnish European, 0.00077%; no homozygotes.

Submissions (3):

Women's Health and Genetics/Laboratory Corporation of America, LabCorp
Classification: Uncertain significance. Last evaluated: 2024-03-26. Review status: criteria provided, single submitter. Criteria: LabCorp Variant Classification Summary - May 2015. Collection method: clinical testing. Allele origin: germline.
Comment: Variant summary: TTN c.48100C>T (p.Pro16034Ser) results in a non-conservative amino acid change located in the Fibronectin type III domain (IPR003961) of the encoded protein sequence. Three of four in-silico tools predict a damaging effect of the variant on protein function. The variant was absent in 237560 control chromosomes. The available data on variant occurrences in the general population are insufficient to allow any conclusion about variant significance. To our knowledge, no occurrence of c.48100C>T in individuals affected with Limb-Girdle Muscular Dystrophy, Type 2J and no experimental evidence demonstrating its impact on protein function have been reported. ClinVar contains an entry for this variant (Variation ID: 437107). Based on the evidence outlined above, the variant was classified as uncertain significance.

GeneDx
Classification: Uncertain significance. Last evaluated: 2018-07-26. Review status: criteria provided, single submitter. Criteria: GeneDx Variant Classification Process June 2021. Collection method: clinical testing. Allele origin: germline. Affected: yes.
Comment: Not observed in large population cohorts (Lek et al., 2016); Missense variant in a gene in which most reported pathogenic variants are truncating/loss-of-function

Genetic Services Laboratory, University of Chicago
Classification: Uncertain significance. Last evaluated: 2016-03-04. Review status: criteria provided, single submitter. Criteria: ACMG Guidelines, 2015. Collection method: clinical testing. Allele origin: germline. Affected: no.